The following is an entry in ClinVar:

ClinVar aggregate classification (germline): Uncertain significance (1 of 4 stars; one submission).

Allele frequency attached by ClinVar (database versions not stated): gnomAD 0.00003 and 0.00004; TOPMed 0.00003.

Submission:

GeneDx
Classification: Uncertain significance. Last evaluated: 2023-10-11. Review status: criteria provided, single submitter. Criteria: GeneDx Variant Classification Process June 2021. Collection method: clinical testing. Allele origin: germline. Affected: yes.
Comment: In silico analysis supports that this missense variant has a deleterious effect on protein structure/function; In silico analysis supports that this variant has a deleterious effect on splicing; Has not been previously published as pathogenic or benign to our knowledge

NM_170682.4(P2RX2):c.457G>A (p.Gly153Ser)

Gene: P2RX2 (purinergic receptor P2X 2; plus strand). Cytogenetic location: 12q24.33.
Variant type: single nucleotide variant.
Coding change: c.457G>A on transcript NM_170682.4 (MANE Select); coding-DNA position 457, G replaced by A.
Protein change: p.Gly153Ser; replaces glycine 153 with serine.
Molecular consequence: missense variant. On other transcripts: intron variant (1).
Genome position (GRCh38, 1-based): chr12:132,619,919, G>A. VCF-style: chr12-132619919-G-A. GRCh37 (hg19) VCF-style: chr12-133196505-G-A.
Other names: c.385G>A, p.Gly129Arg (NM_001282164.2); c.457G>A, p.Gly153Ser (NM_001282165.2, NM_170683.4, NM_174873.3); c.385G>A, p.Gly129Ser (NM_016318.4); c.181G>A, p.Gly61Ser (NM_174872.3); c.242-81G>A (NM_012226.5); short protein forms G129R, G129S, G153S, G61S.
Identifiers: ClinVar variation 1327734 (VCV001327734.3), dbSNP rs1280267333, ClinGen allele CA387359032.